The following is an entry in ClinVar:

NM_000289.6(PFKM):c.1413-64A>G

Gene: PFKM (phosphofructokinase, muscle; plus strand). Cytogenetic location: 12q13.11.
Variant type: single nucleotide variant.
Coding change: c.1413-64A>G on transcript NM_000289.6 (MANE Select); 64 bases into the intron before coding-DNA position 1413, A replaced by G.
Molecular consequence: intron variant.
Genome position (GRCh38, 1-based): chr12:48,141,676, A>G. VCF-style: chr12-48141676-A-G. GRCh37 (hg19) VCF-style: chr12-48535459-A-G.
Other names: c.1437-64A>G (NM_001354741.2); c.1413-64A>G (NM_001354742.2, NM_001354743.2, NM_001354744.2 and 2 more transcripts); c.1263-64A>G (NM_001354747.2, NM_001354748.2); c.1626-64A>G (NM_001166686.2, NM_001354737.1, NM_001354739.1 and 1 more transcripts); c.1722-64A>G (NM_001354736.1, NM_001354735.1); c.1557-64A>G (NM_001354740.1); c.1326-64A>G (NM_001354745.2); c.1287-64A>G (NM_001354746.2); and 1 more.
Identifiers: ClinVar variation 1074469 (VCV001074469.10), dbSNP rs1202417178, ClinGen allele CA689496879.

ClinVar aggregate classification (germline): Pathogenic/Likely pathogenic. Review status: criteria provided, multiple submitters, no conflicts (2 of 4 stars). 2 submissions from 2 submitters: Pathogenic (1); Likely pathogenic (1). Last evaluated 2023-11-06.

Conditions:
Glycogen storage disease, type VII (GSD7). Also called: PFKM DEFICIENCY; TARUI DISEASE; GSD VII; MUSCLE PHOSPHOFRUCTOKINASE DEFICIENCY. Identifiers: Orphanet 371, MedGen C0017926, MONDO:0009295, OMIM 232800.

Allele frequency attached by ClinVar (database versions not stated): gnomAD exomes 0.00001.
gnomAD v4.1: 9 of 1,250,120 alleles (0.00072%); highest among the groups gnomAD compares: South Asian, 0.0012%; no homozygotes.

Submissions (2):

Baylor Genetics
Classification: Likely pathogenic for Glycogen storage disease, type VII. Last evaluated: 2023-11-06. Review status: criteria provided, single submitter. Criteria: ACMG Guidelines, 2015. Collection method: clinical testing. Allele origin: unknown.

Labcorp Genetics (formerly Invitae), Labcorp
Classification: Pathogenic for Glycogen storage disease, type VII. Last evaluated: 2023-08-29. Review status: criteria provided, single submitter. Criteria: Invitae Variant Classification Sherloc (09022015). Collection method: clinical testing. Allele origin: germline.
Comment: Studies have shown that this variant results in the activation of a cryptic splice site in intron 15 (PMID: 8659544). For these reasons, this variant has been classified as Pathogenic. ClinVar contains an entry for this variant (Variation ID: 1074469). This variant is also known as intron 16 (G-64A). This variant has been observed in individual(s) with glycogen storage disease type VII (PMID: 8659544). In at least one individual the data is consistent with being in trans (on the opposite chromosome) from a pathogenic variant. It has also been observed to segregate with disease in related individuals. This variant is not present in population databases (gnomAD no frequency). This sequence change falls in intron 15 of the PFKM gene. It does not directly change the encoded amino acid sequence of the PFKM protein. RNA analysis indicates that this variant induces altered splicing and likely results in the gain of 21 amino acid residue(s), but is expected to preserve the integrity of the reading-frame.

Literature cited by the submitters: PubMed 8659544 (cited by Labcorp Genetics (formerly Invitae), Labcorp).